The following is an entry in ClinVar:

NM_016441.3(CRIM1):c.2566C>T (p.Pro856Ser)

Gene: CRIM1 (cysteine rich transmembrane BMP regulator 1). Cytogenetic location: 2p22.2.
Variant type: single nucleotide variant.
Coding change: c.2566C>T on transcript NM_016441.3 (MANE Select); coding-DNA position 2566, C replaced by T.
Protein change: p.Pro856Ser; replaces proline 856 with serine.
Molecular consequence: missense variant.
Genome position (GRCh38, 1-based): chr2:36,537,489, C>T. VCF-style: chr2-36537489-C-T. GRCh37 (hg19) VCF-style: chr2-36764632-C-T.
Other names: short protein forms P856S.
Identifiers: ClinVar variation 710585 (VCV000710585.7), dbSNP rs149188754, ClinGen allele CA1610561.

ClinVar aggregate classification (germline): Likely benign. Review status: criteria provided, multiple submitters, no conflicts (2 of 4 stars). 3 submissions from 3 submitters: Likely benign (2). 1 of the submissions does not count toward it. Last evaluated 2019-12-31.

Conditions:
CRIM1-related disorder. Also called: CRIM1-related condition.

Allele frequency attached by ClinVar (database versions not stated): 1000 Genomes Project 30x 0.00031; 1000 Genomes Project 0.00040; ExAC 0.00118; gnomAD 0.00134; TOPMed 0.00135; ESP Exome Variant Server 0.00192.
gnomAD v4.1: 3,155 of 1,614,176 alleles (0.2%); highest among the groups gnomAD compares: Non-Finnish European, 0.24%; 9 homozygotes.

Submissions (3):

Labcorp Genetics (formerly Invitae), Labcorp
Classification: Likely benign. Last evaluated: 2019-12-31. Review status: criteria provided, single submitter. Criteria: Invitae Variant Classification Sherloc (09022015). Collection method: clinical testing. Allele origin: germline.

Breakthrough Genomics
Classification: Likely benign. Review status: criteria provided, single submitter. Criteria: ACMG Guidelines, 2015. Collection method: not provided. Allele origin: germline. Inheritance: Unknown mechanism. Affected: yes.

PreventionGenetics, part of Exact Sciences
Classification: Likely benign for CRIM1-related condition. Last evaluated: 2023-03-09. Review status: no assertion criteria provided. Collection method: clinical testing. Allele origin: germline. Not counted in ClinVar's aggregate classification.
Comment: This variant is classified as likely benign based on ACMG/AMP sequence variant interpretation guidelines (Richards et al. 2015 PMID: 25741868, with internal and published modifications).